The following is an entry in ClinVar:

ClinVar aggregate classification (germline): Likely benign (1 of 4 stars; one submission).

Conditions:
KCNQ1-related disorder. Also called: KCNQ1-related disorders; KCNQ1-related condition. Identifiers: MedGen CN239322.

gnomAD v4.1: 3 of 398,610 alleles (0.00075%); highest among the groups gnomAD compares: East Asian, 0.011%; no homozygotes.

Submission:

PreventionGenetics, part of Exact Sciences
Classification: Likely benign for KCNQ1-related condition. Last evaluated: 2025-10-03. Review status: criteria provided, single submitter. Criteria: ACMG Guidelines, 2015. Collection method: clinical testing. Allele origin: germline.
Comment: This variant is classified as likely benign based on ACMG/AMP sequence variant interpretation guidelines (Richards et al. 2015 PMID: 25741868, with internal and published modifications).

NM_000218.3(KCNQ1):c.1514+36295A>G

Genes: KCNQ1 (potassium voltage-gated channel subfamily Q member 1; plus strand), KCNQ1OT1 (KCNQ1 opposite strand/antisense transcript 1; minus strand). Cytogenetic location: 11p15.5.
Variant type: single nucleotide variant.
Coding change: c.1514+36295A>G on transcript NM_000218.3 (MANE Select); 36295 bases into the intron after coding-DNA position 1514, A replaced by G.
Molecular consequence: intron variant. On other transcripts: non-coding transcript variant (1).
Genome position (GRCh38, 1-based): chr11:2,698,376, A>G. VCF-style: chr11-2698376-A-G. GRCh37 (hg19) VCF-style: chr11-2719606-A-G.
Other names: c.1244+36295A>G (NM_001406837.1); c.1418+36295A>G (NM_001406836.1); c.974+36295A>G (NM_001406838.1); c.1133+36295A>G (NM_181798.2).
Identifiers: ClinVar variation 4986941 (VCV004986941.1).